The following is an entry in ClinVar:

NM_000059.4(BRCA2):c.8215G>T (p.Val2739Phe)

Gene: BRCA2 (BRCA2 DNA repair associated; plus strand). Cytogenetic location: 13q13.1.
Variant type: single nucleotide variant.
Coding change: c.8215G>T on transcript NM_000059.4 (MANE Select); coding-DNA position 8215, G replaced by T.
Protein change: p.Val2739Phe; replaces valine 2739 with phenylalanine.
Molecular consequence: missense variant.
Genome position (GRCh38, 1-based): chr13:32,363,417, G>T. VCF-style: chr13-32363417-G-T. GRCh37 (hg19) VCF-style: chr13-32937554-G-T.
Other names: short protein forms V2739F.
Identifiers: ClinVar variation 230257 (VCV000230257.23), dbSNP rs80359069, ClinGen allele CA6941199.

ClinVar aggregate classification (germline): Conflicting classifications of pathogenicity. Review status: criteria provided, conflicting classifications (1 of 4 stars). 6 submissions from 6 submitters: Uncertain significance (5); Likely benign (1). Last evaluated 2025-10-12.

Conditions:
Hereditary cancer-predisposing syndrome. Also called: Hereditary neoplastic syndrome; Hereditary Cancer Syndrome; Neoplastic Syndromes, Hereditary; Tumor predisposition. Identifiers: Orphanet 140162, MedGen C0027672, MeSH D009386, MONDO:0015356.
Hereditary breast ovarian cancer syndrome. Also called: Hereditary breast and ovarian cancer syndrome; Hereditary breast and ovarian cancer syndrome (HBOC); Breast and ovarian cancer; Hereditary breast and/or ovarian cancer syndrome; Hereditary breast and ovarian cancer; BRCA1- and BRCA2-Associated Hereditary Breast and Ovarian Cancer. Identifiers: Orphanet 145, MedGen C0677776, MeSH D061325, MONDO:0003582. Disease mechanism: loss of function.

Allele frequency attached by ClinVar (database versions not stated): TOPMed 0.00001.
gnomAD v4.1: 13 of 1,614,052 alleles (0.00081%); highest among the groups gnomAD compares: Non-Finnish European, 0.0011%; no homozygotes.

Submissions (6):

Labcorp Genetics (formerly Invitae), Labcorp
Classification: Uncertain significance for Hereditary breast ovarian cancer syndrome. Last evaluated: 2025-10-12. Review status: criteria provided, single submitter. Criteria: Invitae Variant Classification Sherloc (09022015). Collection method: clinical testing. Allele origin: germline.
Comment: This sequence change replaces valine, which is neutral and non-polar, with phenylalanine, which is neutral and non-polar, at codon 2739 of the BRCA2 protein (p.Val2739Phe). This variant is present in population databases (rs80359069, gnomAD 0.0009%). This variant has not been reported in the literature in individuals affected with BRCA2-related conditions. ClinVar contains an entry for this variant (Variation ID: 230257). Invitae Evidence Modeling of protein sequence and biophysical properties (such as structural, functional, and spatial information, amino acid conservation, physicochemical variation, residue mobility, and thermodynamic stability) indicates that this missense variant is not expected to disrupt BRCA2 protein function with a negative predictive value of 95%. In summary, the available evidence is currently insufficient to determine the role of this variant in disease. Therefore, it has been classified as a Variant of Uncertain Significance.

Ambry Genetics
Classification: Likely benign for Hereditary cancer-predisposing syndrome. Last evaluated: 2025-03-21. Review status: criteria provided, single submitter. Criteria: Ambry Variant Classification Scheme 2023. Collection method: clinical testing. Allele origin: germline.

Women's Health and Genetics/Laboratory Corporation of America, LabCorp
Classification: Uncertain significance. Last evaluated: 2023-10-05. Review status: criteria provided, single submitter. Criteria: LabCorp Variant Classification Summary - May 2015. Collection method: clinical testing. Allele origin: germline.

Quest Diagnostics Nichols Institute San Juan Capistrano
Classification: Uncertain significance. Last evaluated: 2023-07-20. Review status: criteria provided, single submitter. Criteria: Quest Diagnostics criteria. Collection method: clinical testing. Allele origin: unknown.
Comment: In the published literature, this variant has been reported in individuals with a personal or family history of breast cancer (PMID: 31853058 (2020)). The variant lies within a region of BRCA2 that is reported to tolerate genomic changes (PMID: 31911673 (2020)). The frequency of this variant in the general population, 0.000046 (1/21642 chromosomes (Genome Aggregation Database)), is uninformative in the assessment of its pathogenicity. Analysis of this variant using bioinformatics tools for the prediction of the effect of amino acid changes on protein structure and function yielded predictions that this variant is benign. Based on the available information, we are unable to determine the clinical significance of this variant.

GeneDx
Classification: Uncertain significance. Last evaluated: 2022-01-12. Review status: criteria provided, single submitter. Criteria: GeneDx Variant Classification Process June 2021. Collection method: clinical testing. Allele origin: germline. Affected: yes.
Comment: Not observed at significant frequency in large population cohorts (gnomAD); In silico analysis supports that this missense variant does not alter protein structure/function; Has not been previously published as pathogenic or benign to our knowledge; Also known as 8443G>T; This variant is associated with the following publications: (PMID: 12228710)

Color Diagnostics, LLC DBA Color Health
Classification: Uncertain significance for Hereditary cancer-predisposing syndrome. Last evaluated: 2019-05-30. Review status: criteria provided, single submitter. Criteria: ACMG Guidelines, 2015. Collection method: clinical testing. Allele origin: germline.

Literature cited by the submitters: PubMed 29884841 (cited by Ambry Genetics); PubMed 30725392 (cited by Ambry Genetics); PubMed 39779848 (cited by Ambry Genetics); PubMed 31911673 (cited by Quest Diagnostics Nichols Institute San Juan Capistrano); PubMed 31853058 (cited by Quest Diagnostics Nichols Institute San Juan Capistrano).